The following is an entry in ClinVar:

NM_177438.3(DICER1):c.4457A>T (p.Lys1486Ile)

Gene: DICER1 (dicer 1, ribonuclease III; minus strand). Cytogenetic location: 14q32.13.
Variant type: single nucleotide variant.
Coding change: c.4457A>T on transcript NM_177438.3 (MANE Select); coding-DNA position 4457, A replaced by T.
Protein change: p.Lys1486Ile; replaces lysine 1486 with isoleucine.
Molecular consequence: missense variant.
Genome position (GRCh38, 1-based): chr14:95,096,463, T>A on the plus strand (A>T on the coding strand, the complement: DICER1 is on the minus strand). VCF-style: chr14-95096463-T-A. GRCh37 (hg19) VCF-style: chr14-95562800-T-A.
Other names: c.4457A>T, p.Lys1486Ile (NM_001195573.1, NM_001271282.3, NM_001291628.2 and 1 more transcripts); short protein forms K1486I.
Identifiers: ClinVar variation 1356051 (VCV001356051.9), dbSNP rs2139850118, ClinGen allele CA390868346.

ClinVar aggregate classification (germline): Uncertain significance (1 of 4 stars; one submission).

Conditions:
DICER1-related tumor predisposition. Also called: DICER1 syndrome; DICER1-related pleuropulmonary blastoma cancer predisposition syndrome. Identifiers: Orphanet 284343, MedGen C3839822, MONDO:0100216.

Submission:

Labcorp Genetics (formerly Invitae), Labcorp
Classification: Uncertain significance for DICER1-related tumor predisposition. Last evaluated: 2021-05-25. Review status: criteria provided, single submitter. Criteria: Invitae Variant Classification Sherloc (09022015). Collection method: clinical testing. Allele origin: germline.
Comment: This sequence change replaces lysine with isoleucine at codon 1486 of the DICER1 protein (p.Lys1486Ile). The lysine residue is highly conserved and there is a moderate physicochemical difference between lysine and isoleucine. This variant is not present in population databases (ExAC no frequency). This variant has not been reported in the literature in individuals with DICER1-related conditions. Algorithms developed to predict the effect of missense changes on protein structure and function are either unavailable or do not agree on the potential impact of this missense change (SIFT: "Deleterious"; PolyPhen-2: "Possibly Damaging"; Align-GVGD: "Class C0"). In summary, the available evidence is currently insufficient to determine the role of this variant in disease. Therefore, it has been classified as a Variant of Uncertain Significance.